The following is an entry in ClinVar:

ClinVar aggregate classification (germline): Uncertain significance (1 of 4 stars; one submission).

Conditions:
Adams-Oliver syndrome 5 (AOS5). Identifiers: Orphanet 974, MedGen C4014970, MONDO:0014459, OMIM 616028.

Allele frequency attached by ClinVar (database versions not stated): ExAC 0.00018.
gnomAD v4.1: 3 of 1,584,424 alleles (0.00019%); highest among the groups gnomAD compares: Non-Finnish European, 0.000086%; no homozygotes.

Submission:

Labcorp Genetics (formerly Invitae), Labcorp
Classification: Uncertain significance for Adams-Oliver syndrome 5. Last evaluated: 2021-10-04. Review status: criteria provided, single submitter. Criteria: Invitae Variant Classification Sherloc (09022015). Collection method: clinical testing. Allele origin: germline.
Comment: In summary, the available evidence is currently insufficient to determine the role of this variant in disease. Therefore, it has been classified as a Variant of Uncertain Significance. Advanced modeling of protein sequence and biophysical properties (such as structural, functional, and spatial information, amino acid conservation, physicochemical variation, residue mobility, and thermodynamic stability) performed at Invitae indicates that this missense variant is not expected to disrupt NOTCH1 protein function. This variant has not been reported in the literature in individuals affected with NOTCH1-related conditions. The frequency data for this variant in the population databases is considered unreliable, as metrics indicate poor data quality at this position in the ExAC database. This sequence change replaces threonine with proline at codon 174 of the NOTCH1 protein (p.Thr174Pro). The threonine residue is highly conserved and there is a small physicochemical difference between threonine and proline.

NM_017617.5(NOTCH1):c.520A>C (p.Thr174Pro)

Gene: NOTCH1 (notch receptor 1; minus strand). Cytogenetic location: 9q34.3.
Variant type: single nucleotide variant.
Coding change: c.520A>C on transcript NM_017617.5 (MANE Select); coding-DNA position 520, A replaced by C.
Protein change: p.Thr174Pro; replaces threonine 174 with proline.
Molecular consequence: missense variant.
Genome position (GRCh38, 1-based): chr9:136,523,072, T>G on the plus strand (A>C on the coding strand, the complement: NOTCH1 is on the minus strand). VCF-style: chr9-136523072-T-G. GRCh37 (hg19) VCF-style: chr9-139417524-T-G.
Other names: short protein forms T174P.
Identifiers: ClinVar variation 1475591 (VCV001475591.6), dbSNP rs771225163, ClinGen allele CA5342137.
Genomic context (GRCh38, chr9:136,523,072, plus strand): 5'-TGCCTCCGTGGCGGCAAAGCCCGGGCTTCTGGCCACACTCGTTGACATCCTGCCGGCAGG[T>G]GGGGCCATGGAAGCTGGGTGGGCAGTGGCAGATGTAGGAGGCCTCGAAGGGCAGGCACTG-3'
Protein context (NP_060087.3, residues 164-184): CHCPPSFHGP[Thr174Pro]CRQDVNECGQ